The following is an entry in ClinVar:

NM_001034853.2(RPGR):c.2778_2813dup (p.Glu938_Gly939insGluGlyGluGlyGluGlyGluGluGluGluGlyGlu)

Gene: RPGR (retinitis pigmentosa GTPase regulator; minus strand). Cytogenetic location: Xp11.4.
Variant type: Duplication.
Coding change: c.2778_2813dup on transcript NM_001034853.2 (MANE Select); coding-DNA positions 2778 to 2813, 36 bases duplicated.
Protein change: p.Glu938_Gly939insGluGlyGluGlyGluGlyGluGluGluGluGlyGlu.
Molecular consequence: inframe insertion. On other transcripts: intron variant (8).
Genome position (GRCh38, 1-based): chrX:38,286,186-38,286,221, 36 bases duplicated; duplicating any 36 consecutive bases within chrX:38,286,186-38,286,235 gives the same sequence; the c. name uses the placement nearest the transcript's 3' end. GRCh37 (hg19): chrX:38,145,453-38,145,488.
Other names: c.1569+4738_1569+4773dup (NM_001367249.1, NM_001367250.1); c.1902+873_1902+908dup (NM_001367245.1); c.1386+4738_1386+4773dup (NM_001367251.1); c.1719+873_1719+908dup (NM_001367246.1); c.1572+4738_1572+4773dup (NM_001367247.1); c.1905+873_1905+908dup (NM_000328.3); c.1602+4738_1602+4773dup (NM_001367248.1).
Identifiers: ClinVar variation 2128408 (VCV002128408.4), dbSNP rs2519786657, ClinGen allele CA2580100854.

ClinVar aggregate classification (germline): Uncertain significance (1 of 4 stars; one submission).

Conditions:
Primary ciliary dyskinesia. Also called: Ciliary dyskinesia. Identifiers: Orphanet 244, MedGen C0008780, MONDO:0016575, HP:0012265.

Submission:

Labcorp Genetics (formerly Invitae), Labcorp
Classification: Uncertain significance for Primary ciliary dyskinesia. Last evaluated: 2022-05-12. Review status: criteria provided, single submitter. Criteria: Invitae Variant Classification Sherloc (09022015). Collection method: clinical testing. Allele origin: germline.
Comment: In summary, the available evidence is currently insufficient to determine the role of this variant in disease. Therefore, it has been classified as a Variant of Uncertain Significance. This variant has not been reported in the literature in individuals affected with RPGR (ORF15)-related conditions. The frequency data for this variant in the population databases is considered unreliable, as metrics indicate insufficient coverage at this position in the gnomAD database. This variant, c.2778_2813dup, results in the insertion of 12 amino acid(s) of the RPGR (ORF15) protein (p.Glu927_Glu938dup), but otherwise preserves the integrity of the reading frame.